The following is an entry in ClinVar:

NM_004360.5(CDH1):c.912C>G (p.Ile304Met)

Gene: CDH1 (cadherin 1; plus strand). Cytogenetic location: 16q22.1.
Variant type: single nucleotide variant.
Coding change: c.912C>G on transcript NM_004360.5 (MANE Select); coding-DNA position 912, C replaced by G.
Protein change: p.Ile304Met; replaces isoleucine 304 with methionine.
Molecular consequence: missense variant. On other transcripts: 5 prime UTR variant (2).
Genome position (GRCh38, 1-based): chr16:68,811,763, C>G. VCF-style: chr16-68811763-C-G. GRCh37 (hg19) VCF-style: chr16-68845666-C-G.
Other names: c.912C>G, p.Ile304Met (NM_001317184.2); c.-704C>G (NM_001317185.2); c.-908C>G (NM_001317186.2); short protein forms I304M.
Identifiers: ClinVar variation 2505596 (VCV002505596.1), dbSNP rs2152132004, ClinGen allele CA396459700.
Genomic context (GRCh38, chr16:68,811,763, plus strand): 5'-CACAGCCACAGACGCGGACGATGATGTGAACACCTACAATGCCGCCATCGCTTACACCAT[C>G]CTCAGCCAAGATCCTGAGCTCCCTGACAAAAATATGTTCACCATTAACAGGAACACAGGA-3'
Protein context (NP_004351.1, residues 294-314): NTYNAAIAYT[Ile304Met]LSQDPELPDK

ClinVar aggregate classification (germline): Uncertain significance (1 of 4 stars; one submission).

Submission:

GeneDx
Classification: Uncertain significance. Last evaluated: 2022-12-16. Review status: criteria provided, single submitter. Criteria: GeneDx Variant Classification Process June 2021. Collection method: clinical testing. Allele origin: germline. Affected: yes.
Comment: Not observed at significant frequency in large population cohorts (gnomAD); In silico analysis supports that this missense variant has a deleterious effect on protein structure/function; Has not been previously published as pathogenic or benign to our knowledge; This variant is associated with the following publications: (PMID: 15235021, 22850631)